The following is an entry in ClinVar:

NM_004204.5(PIGQ):c.791G>A (p.Arg264Gln)

Gene: PIGQ (phosphatidylinositol glycan anchor biosynthesis class Q; plus strand). Cytogenetic location: 16p13.3.
Variant type: single nucleotide variant.
Coding change: c.791G>A on transcript NM_004204.5 (MANE Select); coding-DNA position 791, G replaced by A.
Protein change: p.Arg264Gln; replaces arginine 264 with glutamine.
Molecular consequence: missense variant.
Genome position (GRCh38, 1-based): chr16:575,940, G>A. VCF-style: chr16-575940-G-A. GRCh37 (hg19) VCF-style: chr16-625940-G-A.
Other names: c.791G>A, p.Arg264Gln (NM_148920.4); c.791G>A (NM_148920.1); short protein forms R264Q.
Identifiers: ClinVar variation 2193611 (VCV002193611.2), dbSNP rs372383821, ClinGen allele CA7779971.

ClinVar aggregate classification (germline): Conflicting classifications of pathogenicity. Review status: criteria provided, conflicting classifications (1 of 4 stars). 2 submissions from 2 submitters: Uncertain significance (1); Likely benign (1). Last evaluated 2024-06-26.

Conditions:
Epilepsy. Also called: Seizure disorder. Identifiers: MedGen C0014544, MeSH D004827, MONDO:0005027.
Inborn genetic diseases. Identifiers: MedGen C0950123, MeSH D030342.

Allele frequency attached by ClinVar (database versions not stated): gnomAD 0.00001; ExAC 0.00003; ESP Exome Variant Server 0.00008.
gnomAD v4.1: 9 of 1,585,124 alleles (0.00057%); highest among the groups gnomAD compares: African/African-American, 0.004%; no homozygotes.

Submissions (2):

Ambry Genetics
Classification: Likely benign for Inborn genetic diseases. Last evaluated: 2024-06-26. Review status: criteria provided, single submitter. Criteria: Ambry Variant Classification Scheme 2023. Collection method: clinical testing. Allele origin: germline.

Labcorp Genetics (formerly Invitae), Labcorp
Classification: Uncertain significance for Epilepsy. Last evaluated: 2022-05-05. Review status: criteria provided, single submitter. Criteria: Invitae Variant Classification Sherloc (09022015). Collection method: clinical testing. Allele origin: germline.
Comment: This sequence change replaces arginine, which is basic and polar, with glutamine, which is neutral and polar, at codon 264 of the PIGQ protein (p.Arg264Gln). The frequency data for this variant in the population databases is considered unreliable, as metrics indicate poor data quality at this position in the gnomAD database. This variant has not been reported in the literature in individuals affected with PIGQ-related conditions. Algorithms developed to predict the effect of missense changes on protein structure and function output the following: SIFT: "Tolerated"; PolyPhen-2: "Benign"; Align-GVGD: "Class C0". The glutamine amino acid residue is found in multiple mammalian species, which suggests that this missense change does not adversely affect protein function. In summary, the available evidence is currently insufficient to determine the role of this variant in disease. Therefore, it has been classified as a Variant of Uncertain Significance.